The following is an entry in ClinVar:

ClinVar aggregate classification (germline): Pathogenic. Review status: criteria provided, single submitter (1 of 4 stars). 2 submissions from 2 submitters: Pathogenic (1). 1 of the submissions does not count toward it. Last evaluated 2021-06-02.

Conditions:
Familial hypobetalipoproteinemia 1. Also called: Hypobetalipoproteinemia, normotriglyceridemic; Acanthocytosis with hypobetalipoproteinemia; APOB-Related Familial Hypobetalipoproteinemia. Identifiers: MedGen C4551990, MONDO:0014252, OMIM 615558.
Hypercholesterolemia, autosomal dominant, type B (FHCL2). Also called: Familial Hypercholesterolemia Type B; HYPERCHOLESTEROLEMIA, FAMILIAL, DUE TO LIGAND-DEFECTIVE APOLIPOPROTEIN B; Familial hypercholesterolemia 2; APOB-Related Familial Hypercholesterolemia, Autosomal Dominant; APOLIPOPROTEIN B-100, FAMILIAL DEFECTIVE; APOLIPOPROTEIN B-100, FAMILIAL LIGAND-DEFECTIVE. Identifiers: MedGen C1704417, MONDO:0007751, OMIM 144010.

Submissions (2):

Labcorp Genetics (formerly Invitae), Labcorp
Classification: Pathogenic for Familial hypobetalipoproteinemia 1; Hypercholesterolemia, autosomal dominant, type B. Last evaluated: 2021-06-02. Review status: criteria provided, single submitter. Criteria: Invitae Variant Classification Sherloc (09022015). Collection method: clinical testing. Allele origin: germline.
Comment: This variant is not present in population databases (ExAC no frequency). This variant has not been reported in the literature in individuals with APOB-related conditions. ClinVar contains an entry for this variant (Variation ID: 917844). For these reasons, this variant has been classified as Pathogenic. This sequence change creates a premature translational stop signal (p.Arg3391Glyfs*3) in the APOB gene. It is expected to result in an absent or disrupted protein product. Loss-of-function variants in APOB are known to be pathogenic (PMID: 20032471).

GBinsight Genetic Testing by GB HealthWatch, Genben Lifesciences Corporation
Classification: Likely pathogenic for Hypobetalipoproteinemia, familial, 1. Last evaluated: 2020-05-27. Review status: no assertion criteria provided. Collection method: clinical testing. Allele origin: germline. Inheritance: Autosomal dominant inheritance. Affected: yes. Observed: 1 heterozygote. Not counted in ClinVar's aggregate classification.
Comment: Clinical genetic testing identified heterozygosity for the p.Arg3391GlyfsTer3 (NM_000384.3:c.10171delA) genetic variant in the germline. Phenotype segregated with genotype in family members.

Literature cited by the submitters: PubMed 20032471 (cited by Labcorp Genetics (formerly Invitae), Labcorp).

NM_000384.3(APOB):c.10171del (p.Arg3391fs)

Gene: APOB (apolipoprotein B; minus strand). Cytogenetic location: 2p24.1.
Variant type: Deletion.
Coding change: c.10171del on transcript NM_000384.3 (MANE Select); coding-DNA position 10171, one base deleted (A; older notation c.10171delA).
Protein change: p.Arg3391fs; shifts the reading frame from arginine 3391.
Molecular consequence: frameshift variant.
Genome position (GRCh38, 1-based): chr2:21,006,697, T deleted on the plus strand (A on the coding strand, the reverse complement: APOB is on the minus strand); the first of 5 consecutive T bases (chr2:21,006,697-21,006,701); deleting any one gives the same sequence. VCF-style (leftmost placement, unchanged base first): chr2-21006696-CT-C. GRCh37 (hg19) VCF-style: chr2-21229568-CT-C.
Other names: c.10171delA (NM_000384.3); short protein forms R3391fs.
Identifiers: ClinVar variation 917844 (VCV000917844.8), dbSNP rs1663151257, ClinGen allele CA1139655554.